The following is an entry in ClinVar:

ClinVar aggregate classification (germline): Uncertain significance (1 of 4 stars; one submission).

Submission:

Labcorp Genetics (formerly Invitae), Labcorp
Classification: Uncertain significance. Last evaluated: 2023-09-10. Review status: criteria provided, single submitter. Criteria: Invitae Variant Classification Sherloc (09022015). Collection method: clinical testing. Allele origin: germline.
Comment: This sequence change replaces arginine, which is basic and polar, with proline, which is neutral and non-polar, at codon 3850 of the ZNF469 protein (p.Arg3850Pro). This variant is not present in population databases (gnomAD no frequency). This variant has not been reported in the literature in individuals affected with ZNF469-related conditions. An algorithm developed to predict the effect of missense changes on protein structure and function (PolyPhen-2) suggests that this variant is likely to be disruptive. In summary, the available evidence is currently insufficient to determine the role of this variant in disease. Therefore, it has been classified as a Variant of Uncertain Significance.

NM_001367624.2(ZNF469):c.11633G>C (p.Arg3878Pro)

Gene: ZNF469 (zinc finger protein 469; plus strand). Cytogenetic location: 16q24.2.
Variant type: single nucleotide variant.
Coding change: c.11633G>C on transcript NM_001367624.2 (MANE Select); coding-DNA position 11633, G replaced by C.
Protein change: p.Arg3878Pro; replaces arginine 3878 with proline.
Molecular consequence: missense variant.
Genome position (GRCh38, 1-based): chr16:88,439,103, G>C. VCF-style: chr16-88439103-G-C. GRCh37 (hg19) VCF-style: chr16-88505511-G-C.
Other names: short protein forms R3878P.
Identifiers: ClinVar variation 2757294 (VCV002757294.3), dbSNP rs531617542, ClinGen allele CA397130763.
Genomic context (GRCh38, chr16:88,439,103, plus strand): 5'-TCCCGACCAAGCCCAAGCCCAACAGCCAGAACAAACCCAGGCCGCCACCATCAGAGCAGC[G>C]GAAGGCAGAGCCGGGCCACACACAGAGGAAGGACAGACTGGGCAAGGCCTTCCCCCAGGG-3'
Protein context (NP_001354553.1, residues 3868-3888): NKPRPPPSEQ[Arg3878Pro]KAEPGHTQRK